The following is an entry in ClinVar:

ClinVar aggregate classification (germline): Likely benign. Review status: criteria provided, single submitter (1 of 4 stars). 2 submissions from 2 submitters: Likely benign (1). 1 of the submissions does not count toward it. Last evaluated 2024-11-28.

Conditions:
Bethlem myopathy 1A. Also called: Bethlem Muscular Dystrophy; Bethlem myopathy 1; MYOPATHY, BENIGN CONGENITAL, WITH CONTRACTURES. Identifiers: Orphanet 610, MedGen CN029274, MONDO:0024530, OMIM 158810.
COL6A3-related disorder. Also called: COL6A3-related disorders; COL6A3-related condition.

Allele frequency attached by ClinVar (database versions not stated): gnomAD 0.00001; TOPMed 0.00001.
gnomAD v4.1: 15 of 1,613,158 alleles (0.00093%); highest among the groups gnomAD compares: East Asian, 0.011%; no homozygotes.

Submissions (2):

Labcorp Genetics (formerly Invitae), Labcorp
Classification: Likely benign for Bethlem myopathy 1A. Last evaluated: 2024-11-28. Review status: criteria provided, single submitter. Criteria: Invitae Variant Classification Sherloc (09022015). Collection method: clinical testing. Allele origin: germline.

PreventionGenetics, part of Exact Sciences
Classification: Likely benign for COL6A3-related condition. Last evaluated: 2019-08-27. Review status: no assertion criteria provided. Collection method: clinical testing. Allele origin: germline. Not counted in ClinVar's aggregate classification.
Comment: This variant is classified as likely benign based on ACMG/AMP sequence variant interpretation guidelines (Richards et al. 2015 PMID: 25741868, with internal and published modifications).

NM_004369.4(COL6A3):c.3071-7C>G

Gene: COL6A3 (collagen type VI alpha 3 chain; minus strand). Cytogenetic location: 2q37.3.
Variant type: single nucleotide variant.
Coding change: c.3071-7C>G on transcript NM_004369.4 (MANE Select); 7 bases into the intron before coding-DNA position 3071, C replaced by G.
Molecular consequence: intron variant.
Genome position (GRCh38, 1-based): chr2:237,375,027, G>C on the plus strand (C>G on the coding strand, the complement: COL6A3 is on the minus strand). VCF-style: chr2-237375027-G-C. GRCh37 (hg19) VCF-style: chr2-238283670-G-C.
Other names: c.1250-7C>G (NM_057166.5); c.2453-7C>G (NM_057167.4, NM_057165.5); c.1850-7C>G (NM_057164.5).
Identifiers: ClinVar variation 658376 (VCV000658376.10), dbSNP rs370229367, ClinGen allele CA2189246.
Genomic context (GRCh38, chr2:237,375,027, plus strand): 5'-TCCTGACGCCCTCAGAGCCATCAAGCAGAAACACCACGTCCTTTTCACCTGAAACTGGGA[G>C]GAGGACAGCCTGGTAACTCACACAGGACATCAGAGCAGCAATTTCATATCAACGAGGTGG-3'